The following is an entry in ClinVar:

NM_001458.5(FLNC):c.711del (p.Glu238fs)

Gene: FLNC (filamin C; plus strand). Cytogenetic location: 7q32.1.
Variant type: Deletion.
Coding change: c.711del on transcript NM_001458.5 (MANE Select); coding-DNA position 711, one base deleted (T; older notation c.711delT).
Protein change: p.Glu238fs; shifts the reading frame from glutamic acid 238.
Molecular consequence: frameshift variant.
Genome position (GRCh38, 1-based): chr7:128,837,409, T deleted. VCF-style (leftmost placement, unchanged base first): chr7-128837408-CT-C. GRCh37 (hg19) VCF-style: chr7-128477462-CT-C.
Other names: c.711del, p.Glu238fs (NM_001127487.2); short protein forms E238fs.
Identifiers: ClinVar variation 2574075 (VCV002574075.4), dbSNP rs2536618234, ClinGen allele CA2582341943.
Genomic context (GRCh38, chr7:128,837,408, plus strand): 5'-GGCTGCTGGGAAAAGAGGGCGCCATGTGACATCACTCCTTTCCATCGCAGGTCATTGCCC[CT>C]GAGGAGATTGTGGACCCCAACGTGGATGAGCATTCTGTTATGACCTACCTGTCCCAGTTC-3'

ClinVar aggregate classification (germline): Pathogenic. Review status: criteria provided, single submitter (1 of 4 stars). 2 submissions from 2 submitters: Pathogenic (1). 1 of the submissions does not count toward it. Last evaluated 2023-06-27.

Conditions:
Hypertrophic cardiomyopathy 26. Also called: Cardiomyopathy, familial hypertrophic, 26. Identifiers: Orphanet 75249, MedGen C4310749, MONDO:0014883, OMIM 617047.
Cardiovascular phenotype. Identifiers: MedGen CN230736.

Submissions (2):

Ambry Genetics
Classification: Pathogenic for Cardiovascular phenotype. Last evaluated: 2023-06-27. Review status: criteria provided, single submitter. Criteria: Ambry Variant Classification Scheme 2023. Collection method: clinical testing. Allele origin: germline.
Comment: The c.711delT pathogenic mutation, located in coding exon 4 of the FLNC gene, results from a deletion of one nucleotide at nucleotide position 711, causing a translational frameshift with a predicted alternate stop codon (p.E238Rfs*14). This variant has been detected in an individual with dilated cardiomyopathy (Ader F et al. Clin Genet, 2019 Oct;96:317-329). This variant is considered to be rare based on population cohorts in the Genome Aggregation Database (gnomAD). This alteration is expected to result in loss of function by premature protein truncation or nonsense-mediated mRNA decay. Based on the supporting evidence, this variant is expected to be causative of FLNC-related dilated cardiomyopathy; however, its clinical significance for FLNC-related hypertrophy/restrictive cardiomyopathy and/or skeletal myopathy is unclear.

deCODE genetics, Amgen
Classification: Likely pathogenic for Hypertrophic cardiomyopathy 26. Last evaluated: 2023-07-21. Review status: no assertion criteria provided. Collection method: research. Allele origin: germline. Affected: yes. Observed: 1 variant allele. Not counted in ClinVar's aggregate classification.
Comment: The variant NM_001458.5:c.711del (chr7:128837408) in FLNC was detected in 1 heterozygote out of 58K WGS Icelanders (MAF= 0,001%). This variant has not been reported in ClinVar previously. Based on ACMG criteria (PVS1, PM2) this variant classifies as likely pathogenic.

Literature cited by the submitters: PubMed 30418145 (cited by Ambry Genetics); PubMed 31245841 (cited by Ambry Genetics).